The following is an entry in ClinVar:

NM_001134407.3(GRIN2A):c.415-191C>G

Gene: GRIN2A (glutamate ionotropic receptor NMDA type subunit 2A; minus strand). Cytogenetic location: 16p13.2.
Variant type: single nucleotide variant.
Coding change: c.415-191C>G on transcript NM_001134407.3 (MANE Select); 191 bases into the intron before coding-DNA position 415, C replaced by G.
Molecular consequence: intron variant.
Genome position (GRCh38, 1-based): chr16:9,938,742, G>C on the plus strand (C>G on the coding strand, the complement: GRIN2A is on the minus strand). VCF-style: chr16-9938742-G-C. GRCh37 (hg19) VCF-style: chr16-10032599-G-C.
Other names: c.415-191C>G (NM_001134408.2, NM_000833.5).
Identifiers: ClinVar variation 677374 (VCV000677374.2), dbSNP rs7195861, ClinGen allele CA14342633.
Genomic context (GRCh38, chr16:9,938,742, plus strand): 5'-ATATCCCAGACTCCAGAACAGATCCTGCAAATACAGAGAGGACAGAAGCCCCTGTACTCA[G>C]GAGCTCATAGCCAGGTCCTGGAAGGATGTCTGTAATTATTGCTTGCTTATCATCTATTCT-3'

ClinVar aggregate classification (germline): Likely benign. Review status: criteria provided, multiple submitters, no conflicts (2 of 4 stars). 2 submissions from 2 submitters: Likely benign (2). Last evaluated 2018-06-14.

Allele frequency attached by ClinVar (database versions not stated): 1000 Genomes Project 0.01198; gnomAD 0.01223 and 0.01321; 1000 Genomes Project 30x 0.01374; TOPMed 0.01397.
gnomAD v4.1: 1,844 of 152,300 alleles (1.2%); highest among the groups gnomAD compares: African/African-American, 4.3%; 21 homozygotes.

Submissions (2):

GeneDx
Classification: Likely benign. Last evaluated: 2018-06-14. Review status: criteria provided, single submitter. Criteria: GeneDx Variant Classification (06012015). Collection method: clinical testing. Allele origin: germline. Affected: yes.
Comment: This variant is considered likely benign or benign based on one or more of the following criteria: it is a conservative change, it occurs at a poorly conserved position in the protein, it is predicted to be benign by multiple in silico algorithms, and/or has population frequency not consistent with disease.

Breakthrough Genomics
Classification: Likely benign. Review status: criteria provided, single submitter. Criteria: ACMG Guidelines, 2015. Collection method: not provided. Allele origin: germline. Inheritance: Autosomal dominant inheritance. Affected: yes.